The following is an entry in ClinVar:

NM_000261.2(MYOC):c.1274C>G (p.Ser425Ter)

Gene: MYOC (myocilin; minus strand). Cytogenetic location: 1q24.3.
Variant type: single nucleotide variant.
Coding change: c.1274C>G on transcript NM_000261.2 (MANE Select); coding-DNA position 1274, C replaced by G.
Protein change: p.Ser425Ter; replaces serine 425 with a stop codon.
Molecular consequence: nonsense.
Genome position (GRCh38, 1-based): chr1:171,636,166, G>C on the plus strand (C>G on the coding strand, the complement: MYOC is on the minus strand). VCF-style: chr1-171636166-G-C. GRCh37 (hg19) VCF-style: chr1-171605306-G-C.
Other names: NM_000261.2:c.1274C>G; short protein forms S425*.
Identifiers: ClinVar variation 2505290 (VCV002505290.2), dbSNP rs1164030447, ClinGen allele CA343724078.

ClinVar aggregate classification (germline): Uncertain significance (3 of 4 stars; one submission).

Conditions:
Open-angle glaucoma. Identifiers: MedGen C0017612, MONDO:0005338, HP:0012108.

Submission:

ClinGen Glaucoma Variant Curation Expert Panel
Classification: Uncertain significance for Open-angle glaucoma. Last evaluated: 2026-01-12. Review status: reviewed by expert panel. Criteria: ClinGen Glaucoma ACMG Specifications V2.0.0 Approved. Collection method: curation. Allele origin: germline. Inheritance: Autosomal dominant inheritance.
Comment: The c.1274C>G variant in MYOC is predicted to cause a change in the length of the protein due to the insertion of a terminating codon instead of the usual Serine at amino acid 425 (p.Ser425Ter). This truncating variant is predicted to cause a deletion of ≥ 10% of the protein and is within the conserved olfactomedin domain, meeting PM4. PVS1 did not apply as the disease mechanism for MYOC variants associated with primary open angle glaucoma is not loss-of-function. The highest minor allele frequency of this variant was in the Admixed American genetic ancestry group of gnomAD (v4.1.0) = 0.00001666 (1 allele out of 60,022), which met the ≤ 0.0001 threshold set for PM2_Supporting in a genetic ancestry group of at least 10,000 alleles. There was no computational evidence predicting a damaging or benign impact of this variant on MYOC function. Only 1 proband with primary open angle glaucoma had been reported (PMID: 14640116), not meeting the ≥ 2 probands threshold required to meet PS4_Supporting. In summary, this variant met the criteria to receive a score of 3 and to be classified as a variant of uncertain significance (uncertain significance classification range -1 to 5, adapted from PMID: 32720330) for primary open angle glaucoma based on the ACMG/AMP criteria met, as specified by the ClinGen Glaucoma VCEP (v2.0.0, 5 Dec 2024): PM4, PM2_Supporting